The following is an entry in ClinVar:

NM_000498.3(CYP11B2):c.546dup (p.Ser183fs)

Genes: CYP11B2 (cytochrome P450 family 11 subfamily B member 2; minus strand), LOC106799834 (CYP11B2 recombination region; plus strand). Cytogenetic location: 8q24.3.
Variant type: Duplication.
Coding change: c.546dup on transcript NM_000498.3 (MANE Select); coding-DNA position 546, one base duplicated (G; older notation c.546dupG).
Protein change: p.Ser183fs; shifts the reading frame from serine 183.
Molecular consequence: frameshift variant.
Genome position (GRCh38, 1-based): chr8:142,915,095, C duplicated on the plus strand (G on the coding strand, the reverse complement: CYP11B2 is on the minus strand); the first of 5 consecutive C bases (chr8:142,915,095-142,915,099); duplicating any one gives the same sequence. VCF-style (leftmost placement, unchanged base first): chr8-142915094-T-TC. GRCh37 (hg19) VCF-style: chr8-143996510-T-TC.
Other names: short protein forms S183fs.
Identifiers: ClinVar variation 2674683 (VCV002674683.1), dbSNP rs771908700, ClinGen allele CA1120128665.

ClinVar aggregate classification (germline): Pathogenic (1 of 4 stars; one submission).

Conditions:
CYP11B2-related disorder.

Submission:

Clinical Biochemistry Laboratory, Health Services Laboratory
Classification: Pathogenic for CYP11B2-related disorder. Last evaluated: 2023-11-20. Review status: criteria provided, single submitter. Criteria: ACMG Guidelines, 2015. Collection method: clinical testing. Allele origin: germline. Affected: yes.
Comment: ACMG:PVS1 PM2 PM3